The following is an entry in ClinVar:

NM_181486.4(TBX5):c.61G>T (p.Asp21Tyr)

Gene: TBX5 (T-box transcription factor 5; minus strand). Cytogenetic location: 12q24.21.
Variant type: single nucleotide variant.
Coding change: c.61G>T on transcript NM_181486.4 (MANE Select); coding-DNA position 61, G replaced by T.
Protein change: p.Asp21Tyr; replaces aspartic acid 21 with tyrosine.
Molecular consequence: missense variant. On other transcripts: intron variant (1).
Genome position (GRCh38, 1-based): chr12:114,403,838, C>A on the plus strand (G>T on the coding strand, the complement: TBX5 is on the minus strand). VCF-style: chr12-114403838-C-A. GRCh37 (hg19) VCF-style: chr12-114841643-C-A.
Other names: c.61G>T, p.Asp21Tyr (NM_000192.3); c.-3-1918G>T (NM_080717.4); short protein forms D21Y.
Identifiers: ClinVar variation 3637674 (VCV003637674.2).

ClinVar aggregate classification (germline): Uncertain significance (1 of 4 stars; one submission).

Conditions:
Aortic valve disease 2 (AOVD2). Identifiers: MedGen C3542024, MONDO:0013902, OMIM 614823.

Submission:

Labcorp Genetics (formerly Invitae), Labcorp
Classification: Uncertain significance for Aortic valve disease 2. Last evaluated: 2024-03-17. Review status: criteria provided, single submitter. Criteria: Invitae Variant Classification Sherloc (09022015). Collection method: clinical testing. Allele origin: germline.
Comment: This sequence change replaces aspartic acid, which is acidic and polar, with tyrosine, which is neutral and polar, at codon 21 of the TBX5 protein (p.Asp21Tyr). This variant is not present in population databases (gnomAD no frequency). This variant has not been reported in the literature in individuals affected with TBX5-related conditions. Advanced modeling of protein sequence and biophysical properties (such as structural, functional, and spatial information, amino acid conservation, physicochemical variation, residue mobility, and thermodynamic stability) performed at Invitae indicates that this missense variant is not expected to disrupt TBX5 protein function with a negative predictive value of 95%. In summary, the available evidence is currently insufficient to determine the role of this variant in disease. Therefore, it has been classified as a Variant of Uncertain Significance.